The following is an entry in ClinVar:

NM_005859.5(PURA):c.111C>G (p.Gly37=)

Gene: PURA (purine rich element binding protein A; plus strand). Cytogenetic location: 5q31.3.
Variant type: single nucleotide variant.
Coding change: c.111C>G on transcript NM_005859.5 (MANE Select); coding-DNA position 111, C replaced by G.
Protein change: p.Gly37=; no amino-acid change (glycine 37 retained).
Molecular consequence: synonymous variant.
Genome position (GRCh38, 1-based): chr5:140,114,292, C>G. VCF-style: chr5-140114292-C-G. GRCh37 (hg19) VCF-style: chr5-139493877-C-G.
Identifiers: ClinVar variation 2498983 (VCV002498983.28), dbSNP rs2479504138, ClinGen allele CA446758600.
Genomic context (GRCh38, chr5:140,114,292, plus strand): 5'-GGGCGGCTCCCTGGGGCACCCCGGCTCGGGCTCAGGCTCCGGCGGGGGCGGTGGTGGCGG[C>G]GGGGGCGGCGGCGGCAGTGGCGGCGGCGGCGGCGGGGCCCCAGGGGGGCTGCAGCACGAG-3'
Protein context (NP_005850.1, residues 27-47): GSGSGGGGGG[Gly37=]GGGGGSGGGG

ClinVar aggregate classification (germline): Likely benign (1 of 4 stars; one submission).

Submission:

CeGaT Center for Human Genetics Tuebingen
Classification: Likely benign. Last evaluated: 2025-03-01. Review status: criteria provided, single submitter. Criteria: CeGaT Center For Human Genetics Tuebingen Variant Classification Criteria Version 2. Collection method: clinical testing. Allele origin: germline. Affected: yes. Observed: 5 variant alleles.
Comment: PURA: PM2:Supporting, BP4, BP7